The following is an entry in ClinVar:

ClinVar aggregate classification (germline): Uncertain significance (1 of 4 stars; one submission).

Allele frequency attached by ClinVar (database versions not stated): ExAC 0.00002.
gnomAD v4.1: 4 of 1,613,276 alleles (0.00025%); highest among the groups gnomAD compares: African/African-American, 0.0053%; no homozygotes.

Submission:

Labcorp Genetics (formerly Invitae), Labcorp
Classification: Uncertain significance. Last evaluated: 2023-05-24. Review status: criteria provided, single submitter. Criteria: Invitae Variant Classification Sherloc (09022015). Collection method: clinical testing. Allele origin: germline.
Comment: In summary, the available evidence is currently insufficient to determine the role of this variant in disease. Therefore, it has been classified as a Variant of Uncertain Significance. Advanced modeling of protein sequence and biophysical properties (such as structural, functional, and spatial information, amino acid conservation, physicochemical variation, residue mobility, and thermodynamic stability) performed at Invitae indicates that this missense variant is not expected to disrupt HDAC4 protein function. This variant has not been reported in the literature in individuals affected with HDAC4-related conditions. This variant is present in population databases (rs781548737, gnomAD 0.01%). This sequence change replaces valine, which is neutral and non-polar, with leucine, which is neutral and non-polar, at codon 418 of the HDAC4 protein (p.Val418Leu).

NM_001378414.1(HDAC4):c.1252G>C (p.Val418Leu)

Gene: HDAC4 (histone deacetylase 4; minus strand). Cytogenetic location: 2q37.3.
Variant type: single nucleotide variant.
Coding change: c.1252G>C on transcript NM_001378414.1 (MANE Select); coding-DNA position 1252, G replaced by C.
Protein change: p.Val418Leu; replaces valine 418 with leucine.
Molecular consequence: missense variant.
Genome position (GRCh38, 1-based): chr2:239,134,287, C>G on the plus strand (G>C on the coding strand, the complement: HDAC4 is on the minus strand). VCF-style: chr2-239134287-C-G. GRCh37 (hg19) VCF-style: chr2-240055983-C-G.
Other names: c.1252G>C, p.Val418Leu (NM_001378415.1, NM_001378416.1, NM_001378417.1 and 1 more transcripts); short protein forms V418L.
Identifiers: ClinVar variation 2904356 (VCV002904356.3), dbSNP rs781548737, ClinGen allele CA2199867.